The following is an entry in ClinVar:

NM_021076.4(NEFH):c.764T>C (p.Met255Thr)

Gene: NEFH (neurofilament heavy chain; plus strand). Cytogenetic location: 22q12.2.
Variant type: single nucleotide variant.
Coding change: c.764T>C on transcript NM_021076.4 (MANE Select); coding-DNA position 764, T replaced by C.
Protein change: p.Met255Thr; replaces methionine 255 with threonine.
Molecular consequence: missense variant.
Genome position (GRCh38, 1-based): chr22:29,481,026, T>C. VCF-style: chr22-29481026-T-C. GRCh37 (hg19) VCF-style: chr22-29877015-T-C.
Other names: c.764T>C (NM_021076.3); short protein forms M255T.
Identifiers: ClinVar variation 1424969 (VCV001424969.10), dbSNP rs1439460449, ClinGen allele CA411123973.

ClinVar aggregate classification (germline): Uncertain significance. Review status: criteria provided, multiple submitters, no conflicts (2 of 4 stars). 2 submissions from 2 submitters: Uncertain significance (2). Last evaluated 2025-07-30.

Conditions:
Charcot-Marie-Tooth disease axonal type 2CC. Also called: CHARCOT-MARIE-TOOTH NEUROPATHY, TYPE 2CC. Identifiers: MedGen C4310790, MONDO:0014836, OMIM 616924.

Allele frequency attached by ClinVar (database versions not stated): gnomAD exomes 0.00002 and 0.00004; TOPMed 0.00002; gnomAD 0.00003.
gnomAD v4.1: 55 of 1,531,504 alleles (0.0036%); highest among the groups gnomAD compares: Non-Finnish European, 0.0046%; no homozygotes.

Submissions (2):

Labcorp Genetics (formerly Invitae), Labcorp
Classification: Uncertain significance. Last evaluated: 2025-07-30. Review status: criteria provided, single submitter. Criteria: Invitae Variant Classification Sherloc (09022015). Collection method: clinical testing. Allele origin: germline.
Comment: This sequence change replaces methionine, which is neutral and non-polar, with threonine, which is neutral and polar, at codon 255 of the NEFH protein (p.Met255Thr). This variant is present in population databases (no rsID available, gnomAD 0.005%). This variant has not been reported in the literature in individuals affected with NEFH-related conditions. ClinVar contains an entry for this variant (Variation ID: 1424969). Invitae Evidence Modeling of protein sequence and biophysical properties (such as structural, functional, and spatial information, amino acid conservation, physicochemical variation, residue mobility, and thermodynamic stability) indicates that this missense variant is not expected to disrupt NEFH protein function with a negative predictive value of 95%. In summary, the available evidence is currently insufficient to determine the role of this variant in disease. Therefore, it has been classified as a Variant of Uncertain Significance.

Revvity Omics, Revvity
Classification: Uncertain significance for Charcot-Marie-Tooth disease axonal type 2CC. Last evaluated: 2020-05-19. Review status: criteria provided, single submitter. Criteria: ACMG Guidelines, 2015. Collection method: clinical testing. Allele origin: germline.